The following is an entry in ClinVar:

ClinVar aggregate classification (germline): Uncertain significance (1 of 4 stars; one submission).

Conditions:
Hereditary cancer-predisposing syndrome. Also called: Tumor predisposition; Hereditary neoplastic syndrome; Hereditary Cancer Syndrome; Neoplastic Syndromes, Hereditary. Identifiers: Orphanet 140162, MedGen C0027672, MeSH D009386, MONDO:0015356.

Submission:

Ambry Genetics
Classification: Uncertain significance for Hereditary cancer-predisposing syndrome. Last evaluated: 2025-05-19. Review status: criteria provided, single submitter. Criteria: Ambry Variant Classification Scheme 2023. Collection method: clinical testing. Allele origin: germline.
Comment: The p.Y1316H variant (also known as c.3946T>C), located in coding exon 23 of the PTCH1 gene, results from a T to C substitution at nucleotide position 3946. The tyrosine at codon 1316 is replaced by histidine, an amino acid with similar properties. This amino acid position is conserved. In addition, the in silico prediction for this alteration is inconclusive. Based on the available evidence, the clinical significance of this variant remains unclear.

NM_000264.5(PTCH1):c.3946T>C (p.Tyr1316His)

Gene: PTCH1 (patched 1; minus strand). Cytogenetic location: 9q22.32.
Variant type: single nucleotide variant.
Coding change: c.3946T>C on transcript NM_000264.5 (MANE Select); coding-DNA position 3946, T replaced by C.
Protein change: p.Tyr1316His; replaces tyrosine 1316 with histidine.
Molecular consequence: missense variant. On other transcripts: non-coding transcript variant (1).
Genome position (GRCh38, 1-based): chr9:95,447,310, A>G on the plus strand (T>C on the coding strand, the complement: PTCH1 is on the minus strand). VCF-style: chr9-95447310-A-G. GRCh37 (hg19) VCF-style: chr9-98209592-A-G.
Other names: c.3748T>C, p.Tyr1250His (NM_001083602.3); c.3943T>C, p.Tyr1315His (NM_001083603.3); c.3493T>C, p.Tyr1165His (NM_001083604.3, NM_001083605.3, NM_001083606.3 and 1 more transcripts); c.3790T>C, p.Tyr1264His (NM_001354918.2); short protein forms Y1250H, Y1165H, Y1264H, Y1315H, Y1316H.
Identifiers: ClinVar variation 3939975 (VCV003939975.1).
Genomic context (GRCh38, chr9:95,447,310, plus strand): 5'-TATTGCTAGGGCCAGAATGCCCTTCAGTAGAAATTTCAAAAGCGTCTCTGCGCGGTCTGT[A>G]GGGGGGTGGCCACAAGCCTTCTCTGGGGGGGTCCCTGCGGGGCTGCTGGCCTTGCCGTCC-3'
Protein context (NP_000255.2, residues 1306-1326): PPREGLWPPP[Tyr1316His]RPRRDAFEIS